The following is an entry in ClinVar:

NM_018012.4(KIF26B):c.5988C>T (p.Asp1996=)

Gene: KIF26B (kinesin family member 26B; plus strand). Cytogenetic location: 1q44.
Variant type: single nucleotide variant.
Coding change: c.5988C>T on transcript NM_018012.4 (MANE Select); coding-DNA position 5988, C replaced by T.
Protein change: p.Asp1996=; no amino-acid change (aspartic acid 1996 retained).
Molecular consequence: synonymous variant.
Genome position (GRCh38, 1-based): chr1:245,698,269, C>T. VCF-style: chr1-245698269-C-T. GRCh37 (hg19) VCF-style: chr1-245861571-C-T.
Identifiers: ClinVar variation 1262250 (VCV001262250.5), dbSNP rs3205034, ClinGen allele CA1488802.

ClinVar aggregate classification (germline): Benign. Review status: criteria provided, multiple submitters, no conflicts (2 of 4 stars). 3 submissions from 3 submitters: Benign (2). 1 of the submissions does not count toward it. Last evaluated 2018-08-17.

Conditions:
KIF26B-related disorder. Also called: KIF26B-related condition.

Allele frequency attached by ClinVar (database versions not stated): 1000 Genomes Project 0.40036; 1000 Genomes Project 30x 0.40053; TOPMed 0.48460; gnomAD 0.48608 and 0.48886; gnomAD exomes 0.49225; ExAC 0.49420; ESP Exome Variant Server 0.52642.

Submissions (3):

GeneDx
Classification: Benign. Last evaluated: 2018-08-17. Review status: criteria provided, single submitter. Criteria: GeneDx Variant Classification Process June 2021. Collection method: clinical testing. Allele origin: germline. Affected: yes.

Breakthrough Genomics
Classification: Benign. Review status: criteria provided, single submitter. Criteria: ACMG Guidelines, 2015. Collection method: not provided. Allele origin: germline. Inheritance: Unknown mechanism. Affected: yes.

PreventionGenetics, part of Exact Sciences
Classification: Benign for KIF26B-related condition. Last evaluated: 2019-10-17. Review status: no assertion criteria provided. Collection method: clinical testing. Allele origin: germline. Not counted in ClinVar's aggregate classification.
Comment: This variant is classified as benign based on ACMG/AMP sequence variant interpretation guidelines (Richards et al. 2015 PMID: 25741868, with internal and published modifications).